The following is an entry in ClinVar:

NM_003072.5(SMARCA4):c.2859+3G>A

Gene: SMARCA4 (SWI/SNF related BAF chromatin remodeling complex subunit ATPase 4; plus strand). Cytogenetic location: 19p13.2.
Variant type: single nucleotide variant.
Coding change: c.2859+3G>A on transcript NM_003072.5 (MANE Select); 3 bases into the intron after coding-DNA position 2859, G replaced by A.
Molecular consequence: intron variant.
Genome position (GRCh38, 1-based): chr19:11,021,970, G>A. VCF-style: chr19-11021970-G-A. GRCh37 (hg19) VCF-style: chr19-11132646-G-A.
Other names: c.2859+3G>A (NM_001128844.3, NM_001128849.3, NM_001128847.4 and 4 more transcripts).
Identifiers: ClinVar variation 971413 (VCV000971413.5), dbSNP rs2089905213, ClinGen allele CA1139666228.

ClinVar aggregate classification (germline): Uncertain significance (1 of 4 stars; one submission).

Conditions:
Rhabdoid tumor predisposition syndrome 2 (RTPS2). Identifiers: Orphanet 231108, Orphanet 69077, MedGen C2750074, MONDO:0013224, OMIM 613325.

Submission:

Labcorp Genetics (formerly Invitae), Labcorp
Classification: Uncertain significance for Rhabdoid tumor predisposition syndrome 2. Last evaluated: 2022-08-18. Review status: criteria provided, single submitter. Criteria: Invitae Variant Classification Sherloc (09022015). Collection method: clinical testing. Allele origin: germline.
Comment: This sequence change falls in intron 19 of the SMARCA4 gene. It does not directly change the encoded amino acid sequence of the SMARCA4 protein. It affects a nucleotide within the consensus splice site. This variant is not present in population databases (gnomAD no frequency). This variant has not been reported in the literature in individuals affected with SMARCA4-related conditions. ClinVar contains an entry for this variant (Variation ID: 971413). Variants that disrupt the consensus splice site are a relatively common cause of aberrant splicing (PMID: 17576681, 9536098). Algorithms developed to predict the effect of sequence changes on RNA splicing suggest that this variant is not likely to affect RNA splicing. In summary, the available evidence is currently insufficient to determine the role of this variant in disease. Therefore, it has been classified as a Variant of Uncertain Significance.

Literature cited by the submitters: PubMed 17576681; PubMed 9536098.